The following is an entry in ClinVar:

NM_144666.3(DNHD1):c.10006T>G (p.Tyr3336Asp)

Gene: DNHD1 (dynein heavy chain domain 1; plus strand). Cytogenetic location: 11p15.4.
Variant type: single nucleotide variant.
Coding change: c.10006T>G on transcript NM_144666.3 (MANE Select); coding-DNA position 10006, T replaced by G.
Protein change: p.Tyr3336Asp; replaces tyrosine 3336 with aspartic acid.
Molecular consequence: missense variant.
Genome position (GRCh38, 1-based): chr11:6,563,846, T>G. VCF-style: chr11-6563846-T-G. GRCh37 (hg19) VCF-style: chr11-6585076-T-G.
Other names: short protein forms Y3336D.
Identifiers: ClinVar variation 3084662 (VCV003084662.2), dbSNP rs774187365, ClinGen allele CA379383694.

ClinVar aggregate classification (germline): Uncertain significance. Review status: criteria provided, multiple submitters, no conflicts (2 of 4 stars). 2 submissions from 2 submitters: Uncertain significance (2). Last evaluated 2024-06-26.

gnomAD v4.1: 6 of 1,551,586 alleles (0.00039%); highest among the groups gnomAD compares: Non-Finnish European, 0.00052%; no homozygotes.

Submissions (2):

GeneDx
Classification: Uncertain significance. Last evaluated: 2024-06-26. Review status: criteria provided, single submitter. Criteria: GeneDx Variant Classification Process June 2021. Collection method: clinical testing. Allele origin: germline. Affected: yes.
Comment: Not observed at significant frequency in large population cohorts (gnomAD); In silico analysis supports that this missense variant has a deleterious effect on protein structure/function; Has not been previously published as pathogenic or benign to our knowledge

Ambry Genetics
Classification: Uncertain significance. Last evaluated: 2024-01-03. Review status: criteria provided, single submitter. Criteria: Ambry Variant Classification Scheme 2023. Collection method: clinical testing. Allele origin: germline.